The following is an entry in ClinVar:

NM_177438.3(DICER1):c.5365-3T>C

Gene: DICER1 (dicer 1, ribonuclease III; minus strand). Cytogenetic location: 14q32.13.
Variant type: single nucleotide variant.
Coding change: c.5365-3T>C on transcript NM_177438.3 (MANE Select); 3 bases into the intron before coding-DNA position 5365, T replaced by C.
Molecular consequence: intron variant.
Genome position (GRCh38, 1-based): chr14:95,091,368, A>G on the plus strand (T>C on the coding strand, the complement: DICER1 is on the minus strand). VCF-style: chr14-95091368-A-G. GRCh37 (hg19) VCF-style: chr14-95557705-A-G.
Other names: c.5365-3T>C (NM_001291628.2, NM_030621.4, NM_001271282.3); c.5365-259T>C (NM_001195573.1).
Identifiers: ClinVar variation 577285 (VCV000577285.17), dbSNP rs753581649, ClinGen allele CA7330669.

ClinVar aggregate classification (germline): Likely benign. Review status: criteria provided, multiple submitters, no conflicts (2 of 4 stars). 3 submissions from 3 submitters: Likely benign (3). Last evaluated 2026-04-16.

Conditions:
DICER1-related tumor predisposition. Also called: DICER1-related pleuropulmonary blastoma cancer predisposition syndrome; DICER1 syndrome. Identifiers: Orphanet 284343, MedGen C3839822, MONDO:0100216.
Hereditary cancer-predisposing syndrome. Also called: Neoplastic Syndromes, Hereditary; Hereditary Cancer Syndrome; Hereditary neoplastic syndrome; Tumor predisposition. Identifiers: Orphanet 140162, MedGen C0027672, MeSH D009386, MONDO:0015356.

Allele frequency attached by ClinVar (database versions not stated): ExAC 0.00001.
gnomAD v4.1: 2 of 1,614,056 alleles (0.00012%); highest among the groups gnomAD compares: South Asian, 0.0011%; no homozygotes.

Submissions (3):

Ambry Genetics
Classification: Likely benign for Hereditary cancer-predisposing syndrome. Last evaluated: 2026-04-16. Review status: criteria provided, single submitter. Criteria: Ambry Variant Classification Scheme 2023. Collection method: clinical testing. Allele origin: germline.

Myriad Genetics, Inc.
Classification: Likely benign for DICER1-related tumor predisposition. Last evaluated: 2026-04-14. Review status: criteria provided, single submitter. Criteria: Myriad Autosomal Dominant, Autosomal Recessive and X-Linked Classification Criteria (2023). Collection method: clinical testing. Allele origin: unknown.
Comment: This variant is considered likely benign. This variant is intronic and is not expected to impact mRNA splicing.

Labcorp Genetics (formerly Invitae), Labcorp
Classification: Likely benign for DICER1-related tumor predisposition. Last evaluated: 2026-01-20. Review status: criteria provided, single submitter. Criteria: Invitae Variant Classification Sherloc (09022015). Collection method: clinical testing. Allele origin: germline.